The following is an entry in ClinVar:

ClinVar aggregate classification (germline): Benign/Likely benign. Review status: criteria provided, multiple submitters, no conflicts (2 of 4 stars). 3 submissions from 3 submitters: Benign (1); Likely benign (1). 1 of the submissions does not count toward it. Last evaluated 2026-01-25.

Conditions:
ACTN4-related disorder. Also called: ACTN4-related condition.

Allele frequency attached by ClinVar (database versions not stated): gnomAD exomes 0.00018 and 0.00023; ExAC 0.00041; 1000 Genomes Project 30x 0.00078; 1000 Genomes Project 0.00080; gnomAD 0.00115 and 0.00125; TOPMed 0.00130; ESP Exome Variant Server 0.00131.
gnomAD v4.1: 453 of 1,607,216 alleles (0.028%); highest among the groups gnomAD compares: African/African-American, 0.38%; 1 homozygote.

Submissions (3):

Labcorp Genetics (formerly Invitae), Labcorp
Classification: Benign. Last evaluated: 2026-01-25. Review status: criteria provided, single submitter. Criteria: Invitae Variant Classification Sherloc (09022015). Collection method: clinical testing. Allele origin: germline.

Blueprint Genetics
Classification: Likely benign. Last evaluated: 2024-11-13. Review status: criteria provided, single submitter. Criteria: ACMG Guidelines, 2015. Collection method: clinical testing. Allele origin: germline.

PreventionGenetics, part of Exact Sciences
Classification: Likely benign for ACTN4-related condition. Last evaluated: 2020-08-10. Review status: no assertion criteria provided. Collection method: clinical testing. Allele origin: germline. Not counted in ClinVar's aggregate classification.
Comment: This variant is classified as likely benign based on ACMG/AMP sequence variant interpretation guidelines (Richards et al. 2015 PMID: 25741868, with internal and published modifications).

NM_004924.6(ACTN4):c.1290C>T (p.Asp430=)

Gene: ACTN4 (actinin alpha 4; plus strand). Cytogenetic location: 19q13.2.
Variant type: single nucleotide variant.
Coding change: c.1290C>T on transcript NM_004924.6 (MANE Select); coding-DNA position 1290, C replaced by T.
Protein change: p.Asp430=; no amino-acid change (aspartic acid 430 retained).
Molecular consequence: synonymous variant.
Genome position (GRCh38, 1-based): chr19:38,718,073, C>T. VCF-style: chr19-38718073-C-T. GRCh37 (hg19) VCF-style: chr19-39208713-C-T.
Other names: c.1290C>T (NM_004924.5); c.1290C>T, p.Asp430= (NM_001322033.2).
Identifiers: ClinVar variation 1166477 (VCV001166477.12), dbSNP rs142111133, ClinGen allele CA9417564.